The following is an entry in ClinVar:

NM_000981.4(RPL19):c.109T>G (p.Ser37Ala)

Gene: RPL19 (ribosomal protein L19; plus strand). Cytogenetic location: 17q12.
Variant type: single nucleotide variant.
Coding change: c.109T>G on transcript NM_000981.4 (MANE Select); coding-DNA position 109, T replaced by G.
Protein change: p.Ser37Ala; replaces serine 37 with alanine.
Molecular consequence: missense variant.
Genome position (GRCh38, 1-based): chr17:39,201,316, T>G. VCF-style: chr17-39201316-T-G. GRCh37 (hg19) VCF-style: chr17-37357569-T-G.
Other names: c.103T>G, p.Ser35Ala (NM_001330200.1); short protein forms S35A, S37A.
Identifiers: ClinVar variation 1423303 (VCV001423303.6), dbSNP rs2046286684, ClinGen allele CA398834959.

ClinVar aggregate classification (germline): Uncertain significance (1 of 4 stars; one submission).

Submission:

Labcorp Genetics (formerly Invitae), Labcorp
Classification: Uncertain significance. Last evaluated: 2021-08-06. Review status: criteria provided, single submitter. Criteria: Invitae Variant Classification Sherloc (09022015). Collection method: clinical testing. Allele origin: germline.
Comment: In summary, the available evidence is currently insufficient to determine the role of this variant in disease. Therefore, it has been classified as a Variant of Uncertain Significance. Algorithms developed to predict the effect of missense changes on protein structure and function are either unavailable or do not agree on the potential impact of this missense change (SIFT: "Deleterious"; PolyPhen-2: "Benign"; Align-GVGD: "Class C0"). This variant has not been reported in the literature in individuals affected with RPL19-related conditions. This variant is not present in population databases (ExAC no frequency). This sequence change replaces serine with alanine at codon 37 of the RPL19 protein (p.Ser37Ala). The serine residue is highly conserved and there is a moderate physicochemical difference between serine and alanine.